The following is an entry in ClinVar:

ClinVar aggregate classification (germline): Pathogenic (1 of 4 stars; one submission).

Conditions:
Hereditary nonpolyposis colorectal neoplasms. Identifiers: MedGen C0009405, MeSH D003123.

Submission:

Labcorp Genetics (formerly Invitae), Labcorp
Classification: Pathogenic for Hereditary nonpolyposis colorectal neoplasms. Last evaluated: 2022-07-12. Review status: criteria provided, single submitter. Criteria: Invitae Variant Classification Sherloc (09022015). Collection method: clinical testing. Allele origin: germline.
Comment: For these reasons, this variant has been classified as Pathogenic. This variant disrupts a region of the PMS2 protein in which other variant(s) (p.Ser46Asn, p.Ser46Ile) have been determined to be pathogenic (PMID: 16144131, 18273873, 21204794, 21376568, 22577899, 23709753, 25006859, 26866578). This suggests that this is a clinically significant region of the protein, and that variants that disrupt it are likely to be disease-causing. This variant has not been reported in the literature in individuals affected with PMS2-related conditions. This variant is a gross deletion of the genomic region encompassing exon(s) 2-4 of the PMS2 gene. This variant would be expected to be in-frame, preserving the integrity of the reading frame.

Literature cited by the submitters: PubMed 16144131; PubMed 18273873; PubMed 21204794; PubMed 21376568; PubMed 22577899; PubMed 23709753; PubMed 25006859; PubMed 26866578.

NC_000007.14:g.(?_6003680)_(6006041_?)del

Gene: PMS2 (PMS1 homolog 2, mismatch repair system component; minus strand). Cytogenetic location: 7p22.1.
Variant type: Deletion.
Identifiers: ClinVar variation 831778 (VCV000831778.8).